The following is an entry in ClinVar:

ClinVar aggregate classification (germline): Likely benign. Review status: criteria provided, multiple submitters, no conflicts (2 of 4 stars). 4 submissions from 4 submitters: Likely benign (3). 1 of the submissions does not count toward it. Last evaluated 2026-06-24.

Conditions:
Spastic paraplegia. Identifiers: MedGen C0037772, HP:0001258.
SACS-related disorder. Also called: SACS-related condition.
Charlevoix-Saguenay spastic ataxia (SACS). Also called: Spastic ataxia of Charlevoix-Saguenay; SPASTIC ATAXIA 6, AUTOSOMAL RECESSIVE; AUTOSOMAL RECESSIVE SPASTIC ATAXIA OF CHARLEVOIX-SAGUENAY. Identifiers: Orphanet 98, MedGen C1849140, MONDO:0010041, OMIM 270550.

Allele frequency attached by ClinVar (database versions not stated): gnomAD 0.00001; TOPMed 0.00004; gnomAD exomes 0.00007 and 0.00014; ExAC 0.00012.
gnomAD v4.1: 42 of 1,613,798 alleles (0.0026%); highest among the groups gnomAD compares: Admixed American, 0.07%; no homozygotes.

Submissions (4):

PreventionGenetics, part of Exact Sciences
Classification: Likely benign for SACS-related condition. Last evaluated: 2026-06-24. Review status: criteria provided, single submitter. Criteria: ACMG Guidelines, 2015. Collection method: clinical testing. Allele origin: germline.
Comment: This variant is classified as likely benign based on ACMG/AMP sequence variant interpretation guidelines (Richards et al. 2015 PMID: 25741868, with internal and published modifications).

Labcorp Genetics (formerly Invitae), Labcorp
Classification: Likely benign for Spastic paraplegia. Last evaluated: 2026-01-02. Review status: criteria provided, single submitter. Criteria: Invitae Variant Classification Sherloc (09022015). Collection method: clinical testing. Allele origin: germline.

Mayo Clinic Laboratories, Mayo Clinic
Classification: Likely benign. Last evaluated: 2025-02-17. Review status: criteria provided, single submitter. Criteria: ACMG Guidelines, 2015. Collection method: clinical testing. Allele origin: germline. Observed: 1 variant allele.
Comment: BP4, BP7

Natera, Inc.
Classification: Uncertain significance for Charlevoix-Saguenay type spastic ataxia. Last evaluated: 2020-05-02. Review status: no assertion criteria provided. Collection method: clinical testing. Allele origin: germline. Not counted in ClinVar's aggregate classification.

NM_014363.6(SACS):c.2451C>T (p.Leu817=)

Gene: SACS (sacsin molecular chaperone; minus strand). Cytogenetic location: 13q12.12.
Variant type: single nucleotide variant.
Coding change: c.2451C>T on transcript NM_014363.6 (MANE Select); coding-DNA position 2451, C replaced by T.
Protein change: p.Leu817=; no amino-acid change (leucine 817 retained).
Molecular consequence: synonymous variant.
Genome position (GRCh38, 1-based): chr13:23,341,425, G>A on the plus strand (C>T on the coding strand, the complement: SACS is on the minus strand). VCF-style: chr13-23341425-G-A. GRCh37 (hg19) VCF-style: chr13-23915564-G-A.
Other names: p.Leu817=; c.2010C>T, p.Leu670= (NM_001278055.2).
Identifiers: ClinVar variation 702609 (VCV000702609.12), dbSNP rs756595744, ClinGen allele CA6911690.